The following is an entry in ClinVar:

ClinVar aggregate classification (germline): Uncertain significance. Review status: criteria provided, multiple submitters, no conflicts (2 of 4 stars). 4 submissions from 4 submitters: Uncertain significance (4). Last evaluated 2025-12-29.

Conditions:
Hereditary cancer-predisposing syndrome. Also called: Neoplastic Syndromes, Hereditary; Hereditary neoplastic syndrome; Hereditary Cancer Syndrome; Tumor predisposition. Identifiers: Orphanet 140162, MedGen C0027672, MeSH D009386, MONDO:0015356.
Ataxia-telangiectasia syndrome (AT). Also called: ATAXIA-TELANGIECTASIA, FRESNO VARIANT; Ataxia-telangiectasia, complementation group D; Cerebello-oculocutaneous telangiectasia; Immunodeficiency with ataxia telangiectasia; Ataxia-telangiectasia; Ataxia telangiectasia (A-T). Identifiers: Orphanet 100, MedGen C0004135, MONDO:0008840, OMIM 208900.

Allele frequency attached by ClinVar (database versions not stated): gnomAD exomes below 0.00001; ExAC 0.00001.
gnomAD v4.1: 2 of 1,613,958 alleles (0.00012%); highest among the groups gnomAD compares: Non-Finnish European, 0.00017%; no homozygotes.

Submissions (4):

Center for Genomic Medicine, Rigshospitalet, Copenhagen University Hospital
Classification: Uncertain significance. Last evaluated: 2025-12-29. Review status: criteria provided, single submitter. Criteria: ACMG Guidelines, 2015. Collection method: clinical testing. Allele origin: germline.
Comment: Classification criteria: BP4,

Labcorp Genetics (formerly Invitae), Labcorp
Classification: Uncertain significance for Ataxia-telangiectasia syndrome. Last evaluated: 2025-12-01. Review status: criteria provided, single submitter. Criteria: Invitae Variant Classification Sherloc (09022015). Collection method: clinical testing. Allele origin: germline.
Comment: This sequence change replaces aspartic acid, which is acidic and polar, with histidine, which is basic and polar, at codon 691 of the ATM protein (p.Asp691His). This variant is present in population databases (rs762394404, gnomAD 0.0009%). This missense change has been observed in individual(s) with melanoma (PMID: 34262154). ClinVar contains an entry for this variant (Variation ID: 657570). Invitae Evidence Modeling of protein sequence and biophysical properties (such as structural, functional, and spatial information, amino acid conservation, physicochemical variation, residue mobility, and thermodynamic stability) indicates that this missense variant is not expected to disrupt ATM protein function with a negative predictive value of 95%. In summary, the available evidence is currently insufficient to determine the role of this variant in disease. Therefore, it has been classified as a Variant of Uncertain Significance.

Ambry Genetics
Classification: Uncertain significance for Hereditary cancer-predisposing syndrome. Last evaluated: 2025-06-05. Review status: criteria provided, single submitter. Criteria: Ambry Variant Classification Scheme 2023. Collection method: clinical testing. Allele origin: germline.
Comment: The p.D691H variant (also known as c.2071G>C), located in coding exon 12 of the ATM gene, results from a G to C substitution at nucleotide position 2071. The aspartic acid at codon 691 is replaced by histidine, an amino acid with similar properties. This amino acid position is not well conserved in available vertebrate species. In addition, this alteration is predicted to be tolerated by in silico analysis. Based on the available evidence, the clinical significance of this variant remains unclear.

GeneDx
Classification: Uncertain significance. Last evaluated: 2019-04-19. Review status: criteria provided, single submitter. Criteria: GeneDx Variant Classification Process June 2021. Collection method: clinical testing. Allele origin: germline. Affected: yes.
Comment: Not observed at a significant frequency in large population cohorts (Lek et al., 2016); Has not been previously published as pathogenic or benign to our knowledge; This variant is associated with the following publications: (PMID: 25600502)

Literature cited by the submitters: PubMed 34262154 (cited by Labcorp Genetics (formerly Invitae), Labcorp); PubMed 25600502 (cited by Ambry Genetics).

NM_000051.4(ATM):c.2071G>C (p.Asp691His)

Gene: ATM (ATM serine/threonine kinase; plus strand). Cytogenetic location: 11q22.3.
Variant type: single nucleotide variant.
Coding change: c.2071G>C on transcript NM_000051.4 (MANE Select); coding-DNA position 2071, G replaced by C.
Protein change: p.Asp691His; replaces aspartic acid 691 with histidine.
Molecular consequence: missense variant.
Genome position (GRCh38, 1-based): chr11:108,253,986, G>C. VCF-style: chr11-108253986-G-C. GRCh37 (hg19) VCF-style: chr11-108124713-G-C.
Other names: c.2071G>C, p.Asp691His (NM_001351834.2); short protein forms D691H.
Identifiers: ClinVar variation 657570 (VCV000657570.10), dbSNP rs762394404, ClinGen allele CA6264923.